The following is an entry in ClinVar:

NM_024747.6(HPS6):c.657G>A (p.Trp219Ter)

Gene: HPS6 (HPS6 biogenesis of lysosomal organelles complex 2 subunit 3; plus strand). Cytogenetic location: 10q24.32.
Variant type: single nucleotide variant.
Coding change: c.657G>A on transcript NM_024747.6 (MANE Select); coding-DNA position 657, G replaced by A.
Protein change: p.Trp219Ter; replaces tryptophan 219 with a stop codon.
Molecular consequence: nonsense.
Genome position (GRCh38, 1-based): chr10:102,066,131, G>A. VCF-style: chr10-102066131-G-A. GRCh37 (hg19) VCF-style: chr10-103825888-G-A.
Other names: short protein forms W219*.
Identifiers: ClinVar variation 2772886 (VCV002772886.3), dbSNP rs2540986940, ClinGen allele CA377858226.

ClinVar aggregate classification (germline): Pathogenic (1 of 4 stars; one submission).

Submission:

Labcorp Genetics (formerly Invitae), Labcorp
Classification: Pathogenic. Last evaluated: 2023-10-30. Review status: criteria provided, single submitter. Criteria: Invitae Variant Classification Sherloc (09022015). Collection method: clinical testing. Allele origin: germline.
Comment: This sequence change creates a premature translational stop signal (p.Trp219*) in the HPS6 gene. While this is not anticipated to result in nonsense mediated decay, it is expected to disrupt the last 557 amino acid(s) of the HPS6 protein. This variant is not present in population databases (gnomAD no frequency). This variant has not been reported in the literature in individuals affected with HPS6-related conditions. This variant disrupts a region of the HPS6 protein in which other variant(s) (p.Gln680*) have been determined to be pathogenic (PMID: 27225848, 29054114, 31141302). This suggests that this is a clinically significant region of the protein, and that variants that disrupt it are likely to be disease-causing. For these reasons, this variant has been classified as Pathogenic.

Literature cited by the submitters: PubMed 27225848; PubMed 29054114; PubMed 31141302.